The following is an entry in ClinVar:

NM_005035.4(POLRMT):c.1950C>A (p.Cys650Ter)

Gene: POLRMT (RNA polymerase mitochondrial; minus strand). Cytogenetic location: 19p13.3.
Variant type: single nucleotide variant.
Coding change: c.1950C>A on transcript NM_005035.4 (MANE Select); coding-DNA position 1950, C replaced by A.
Protein change: p.Cys650Ter; replaces cysteine 650 with a stop codon.
Molecular consequence: nonsense. On other transcripts: non-coding transcript variant (1).
Genome position (GRCh38, 1-based): chr19:621,748, G>T on the plus strand (C>A on the coding strand, the complement: POLRMT is on the minus strand). VCF-style: chr19-621748-G-T. GRCh37 (hg19) VCF-style: chr19-621748-G-T.
Other names: c.1950C>A, p.Cys650Ter (NM_001407805.1, NM_001407808.1, NM_001407812.1 and 4 more transcripts); c.1941C>A, p.Cys647Ter (NM_001407806.1, NM_001407809.1); c.1938C>A, p.Cys646Ter (NM_001407807.1, NM_001407810.1); c.1908C>A, p.Cys636Ter (NM_001407811.1, NM_001407813.1); c.1725C>A, p.Cys575Ter (NM_001407830.1, NM_001407832.1); c.1626C>A, p.Cys542Ter (NM_001407831.1, NM_001407833.1, NM_001407835.1 and 1 more transcripts); c.1617C>A, p.Cys539Ter (NM_001407834.1); short protein forms C539*, C542*, C575*, C636*, C646*, C647*, C650*.
Identifiers: ClinVar variation 2635912 (VCV002635912.1), dbSNP rs746830362, ClinGen allele CA402900660.

ClinVar aggregate classification (germline): Uncertain significance (1 of 4 stars; one submission).

Conditions:
POLRMT-related disorder. Also called: POLRMT-related condition.

gnomAD v4.1: 5 of 1,600,680 alleles (0.00031%); highest among the groups gnomAD compares: Non-Finnish European, 0.00034%; no homozygotes.

Submission:

PreventionGenetics, part of Exact Sciences
Classification: Uncertain significance for POLRMT-related condition. Last evaluated: 2023-04-08. Review status: criteria provided, single submitter. Criteria: ACMG Guidelines, 2015. Collection method: clinical testing. Allele origin: germline.
Comment: The POLRMT c.1950C>A variant is predicted to result in premature protein termination (p.Cys650*). To our knowledge, this variant has not been reported in the literature or in a large population database, indicating this variant is rare. A few protein-truncating variants have been reported in this gene to date (Human Gene Mutation Database). Although we suspect that this variant may be pathogenic, at this time, the clinical significance of this variant is uncertain due to the absence of conclusive functional and genetic evidence.